The following is an entry in ClinVar:

NM_001987.5(ETV6):c.941A>G (p.Tyr314Cys)

Gene: ETV6 (ETS variant transcription factor 6; plus strand). Cytogenetic location: 12p13.2.
Variant type: single nucleotide variant.
Coding change: c.941A>G on transcript NM_001987.5 (MANE Select); coding-DNA position 941, A replaced by G.
Protein change: p.Tyr314Cys; replaces tyrosine 314 with cysteine.
Molecular consequence: missense variant.
Genome position (GRCh38, 1-based): chr12:11,869,901, A>G. VCF-style: chr12-11869901-A-G. GRCh37 (hg19) VCF-style: chr12-12022835-A-G.
Other names: c.938A>G, p.Tyr313Cys (NM_001413913.1); c.914A>G, p.Tyr305Cys (NM_001413914.1); c.677A>G, p.Tyr226Cys (NM_001413915.1); c.941A>G, p.Tyr314Cys (NM_001413916.1, NM_001413917.1); short protein forms Y226C, Y305C, Y313C, Y314C.
Identifiers: ClinVar variation 4020103 (VCV004020103.1).

ClinVar aggregate classification (germline): Uncertain significance (1 of 4 stars; one submission).

Conditions:
Inborn genetic diseases. Identifiers: MedGen C0950123, MeSH D030342.

gnomAD v4.1: 2 of 1,612,440 alleles (0.00012%); highest among the groups gnomAD compares: South Asian, 0.0011%; no homozygotes.

Submission:

Ambry Genetics
Classification: Uncertain significance for Inborn genetic diseases. Last evaluated: 2025-05-16. Review status: criteria provided, single submitter. Criteria: Ambry Variant Classification Scheme 2023. Collection method: clinical testing. Allele origin: germline.
Comment: The p.Y314C variant (also known as c.941A>G), located in coding exon 5 of the ETV6 gene, results from an A to G substitution at nucleotide position 941. The tyrosine at codon 314 is replaced by cysteine, an amino acid with highly dissimilar properties. This amino acid position is conserved. In addition, the in silico prediction for this alteration is inconclusive. Based on the available evidence, the clinical significance of this variant remains unclear.